The following is an entry in ClinVar:

NM_001386298.1(CIC):c.5614-6C>T

Gene: CIC (capicua transcriptional repressor; plus strand). Cytogenetic location: 19q13.2.
Variant type: single nucleotide variant.
Coding change: c.5614-6C>T on transcript NM_001386298.1 (MANE Select); 6 bases into the intron before coding-DNA position 5614, C replaced by T.
Molecular consequence: intron variant.
Genome position (GRCh38, 1-based): chr19:42,292,080, C>T. VCF-style: chr19-42292080-C-T. GRCh37 (hg19) VCF-style: chr19-42796232-C-T.
Other names: c.5614-6C>T (NM_001304815.2, NM_001379482.1, NM_001379480.1); c.2887-6C>T (NM_015125.5, NM_001379484.1, NM_001379485.1).
Identifiers: ClinVar variation 2284403 (VCV002284403.2), dbSNP rs770581674, ClinGen allele CA9472424.

ClinVar aggregate classification (germline): Uncertain significance (1 of 4 stars; one submission).

Conditions:
Inborn genetic diseases. Identifiers: MedGen C0950123, MeSH D030342.

Allele frequency attached by ClinVar (database versions not stated): gnomAD exomes below 0.00001; ExAC 0.00001.
gnomAD v4.1: 5 of 1,613,650 alleles (0.00031%); highest among the groups gnomAD compares: African/African-American, 0.0027%; no homozygotes.

Submission:

Ambry Genetics
Classification: Uncertain significance for Inborn genetic diseases. Last evaluated: 2022-05-13. Review status: criteria provided, single submitter. Criteria: Ambry Variant Classification Scheme 2023. Collection method: clinical testing. Allele origin: germline.
Comment: The c.2887-6C>T intronic alteration consists of a C to T substitution 6 nucleotides before coding exon 12 in the CIC gene. Based on insufficient or conflicting evidence, the clinical significance of this alteration remains unclear.